The following is an entry in ClinVar:

ClinVar aggregate classification (germline): Uncertain significance (1 of 4 stars; one submission).

Conditions:
Hyperphosphatasia with intellectual disability syndrome 5 (GPIBD11). Also called: GLYCOSYLPHOSPHATIDYLINOSITOL BIOSYNTHESIS DEFECT 11. Identifiers: Orphanet 247262, MedGen C4014958, MONDO:0014457, OMIM 616025.

Submission:

Labcorp Genetics (formerly Invitae), Labcorp
Classification: Uncertain significance for Hyperphosphatasia with intellectual disability syndrome 5. Last evaluated: 2022-01-14. Review status: criteria provided, single submitter. Criteria: Invitae Variant Classification Sherloc (09022015). Collection method: clinical testing. Allele origin: germline.
Comment: This variant is not present in population databases (gnomAD no frequency). This sequence change replaces serine, which is neutral and polar, with asparagine, which is neutral and polar, at codon 137 of the PIGW protein (p.Ser137Asn). Algorithms developed to predict the effect of missense changes on protein structure and function output the following: SIFT: "Tolerated"; PolyPhen-2: "Benign"; Align-GVGD: "Class C0". The asparagine amino acid residue is found in multiple mammalian species, which suggests that this missense change does not adversely affect protein function. This variant has not been reported in the literature in individuals affected with PIGW-related conditions. In summary, the available evidence is currently insufficient to determine the role of this variant in disease. Therefore, it has been classified as a Variant of Uncertain Significance.

NM_001346754.2(PIGW):c.410G>A (p.Ser137Asn)

Genes: MYO19 (myosin XIX; minus strand), PIGW (phosphatidylinositol glycan anchor biosynthesis class W; plus strand). Cytogenetic location: 17q12.
Variant type: single nucleotide variant.
Coding change: c.410G>A on transcript NM_001346754.2 (MANE Select); coding-DNA position 410, G replaced by A.
Protein change: p.Ser137Asn; replaces serine 137 with asparagine.
Molecular consequence: missense variant.
Genome position (GRCh38, 1-based): chr17:36,537,511, G>A. VCF-style: chr17-36537511-G-A. GRCh37 (hg19) VCF-style: chr17-34893360-G-A.
Other names: c.410G>A, p.Ser137Asn (NM_001346755.2, NM_178517.5); short protein forms S137N.
Identifiers: ClinVar variation 1433435 (VCV001433435.8), dbSNP rs2142615931, ClinGen allele CA399162614.